The following is an entry in ClinVar:

ClinVar aggregate classification (germline): Conflicting classifications of pathogenicity. Review status: criteria provided, conflicting classifications (1 of 4 stars). 3 submissions from 3 submitters: Uncertain significance (1); Benign (1). 1 of the submissions does not count toward it. Last evaluated 2025-03-16.

Conditions:
LAMA5-related disorder. Also called: LAMA5-Related Disorders; LAMA5-related condition.
Inborn genetic diseases. Identifiers: MedGen C0950123, MeSH D030342.

Allele frequency attached by ClinVar (database versions not stated): 1000 Genomes Project 30x 0.00219; gnomAD 0.00031; 1000 Genomes Project 0.00200.
gnomAD v4.1: 426 of 1,610,386 alleles (0.026%); highest among the groups gnomAD compares: East Asian, 0.88%; 1 homozygote.

Submissions (3):

Labcorp Genetics (formerly Invitae), Labcorp
Classification: Benign. Last evaluated: 2025-03-16. Review status: criteria provided, single submitter. Criteria: Invitae Variant Classification Sherloc (09022015). Collection method: clinical testing. Allele origin: germline.

Ambry Genetics
Classification: Uncertain significance for Inborn genetic diseases. Last evaluated: 2024-05-22. Review status: criteria provided, single submitter. Criteria: Ambry Variant Classification Scheme 2023. Collection method: clinical testing. Allele origin: germline.

PreventionGenetics, part of Exact Sciences
Classification: Benign for LAMA5-related condition. Last evaluated: 2019-09-19. Review status: no assertion criteria provided. Collection method: clinical testing. Allele origin: germline. Not counted in ClinVar's aggregate classification.
Comment: This variant is classified as benign based on ACMG/AMP sequence variant interpretation guidelines (Richards et al. 2015 PMID: 25741868, with internal and published modifications).

NM_005560.6(LAMA5):c.10825G>T (p.Ala3609Ser)

Gene: LAMA5 (laminin subunit alpha 5; minus strand). Cytogenetic location: 20q13.33.
Variant type: single nucleotide variant.
Coding change: c.10825G>T on transcript NM_005560.6 (MANE Select); coding-DNA position 10825, G replaced by T.
Protein change: p.Ala3609Ser; replaces alanine 3609 with serine.
Molecular consequence: missense variant.
Genome position (GRCh38, 1-based): chr20:62,309,991, C>A on the plus strand (G>T on the coding strand, the complement: LAMA5 is on the minus strand). VCF-style: chr20-62309991-C-A. GRCh37 (hg19) VCF-style: chr20-60885047-C-A.
Other names: c.10825G>T (NM_005560.3, NM_005560.4); short protein forms A3609S.
Identifiers: ClinVar variation 2722658 (VCV002722658.6), dbSNP rs77850827, ClinGen allele CA9939604.